The following is an entry in ClinVar:

NM_007348.4(ATF6):c.920_931del (p.Leu307_Gln310del)

Gene: ATF6 (activating transcription factor 6; plus strand). Cytogenetic location: 1q23.3.
Variant type: Deletion.
Coding change: c.920_931del on transcript NM_007348.4 (MANE Select); coding-DNA positions 920 to 931, 12 bases deleted (TAAGGAGACAGC).
Protein change: p.Leu307_Gln310del.
Molecular consequence: inframe deletion.
Genome position (GRCh38, 1-based): chr1:161,819,643-161,819,654, TAAGGAGACAGC deleted; deleting any 12 consecutive bases within chr1:161,819,641-161,819,654 gives the same sequence; the c. name uses the placement nearest the transcript's 3' end. VCF-style (leftmost placement, unchanged base first): chr1-161819640-TGCTAAGGAGACA-T. GRCh37 (hg19) VCF-style: chr1-161789430-TGCTAAGGAGACA-T.
Identifiers: ClinVar variation 1468140 (VCV001468140.8), dbSNP rs2101782977, ClinGen allele CA2573131204.

ClinVar aggregate classification (germline): Uncertain significance (1 of 4 stars; one submission).

Submission:

Labcorp Genetics (formerly Invitae), Labcorp
Classification: Uncertain significance. Last evaluated: 2021-07-26. Review status: criteria provided, single submitter. Criteria: Invitae Variant Classification Sherloc (09022015). Collection method: clinical testing. Allele origin: germline.
Comment: In summary, the available evidence is currently insufficient to determine the role of this variant in disease. Therefore, it has been classified as a Variant of Uncertain Significance. Experimental studies and prediction algorithms are not available or were not evaluated, and the functional significance of this variant is currently unknown. This variant has not been reported in the literature in individuals affected with ATF6-related conditions. This variant is not present in population databases (ExAC no frequency). This variant, c.920_931del, results in the deletion of 4 amino acid(s) of the ATF6 protein (p.Leu307_Gln310del), but otherwise preserves the integrity of the reading frame.